The following is an entry in ClinVar:

NM_006297.3(XRCC1):c.380G>A (p.Arg127Gln)

Gene: XRCC1 (X-ray repair cross complementing 1; minus strand). Cytogenetic location: 19q13.31.
Variant type: single nucleotide variant.
Coding change: c.380G>A on transcript NM_006297.3 (MANE Select); coding-DNA position 380, G replaced by A.
Protein change: p.Arg127Gln; replaces arginine 127 with glutamine.
Molecular consequence: missense variant.
Genome position (GRCh38, 1-based): chr19:43,554,680, C>T on the plus strand (G>A on the coding strand, the complement: XRCC1 is on the minus strand). VCF-style: chr19-43554680-C-T. GRCh37 (hg19) VCF-style: chr19-44058832-C-T.
Other names: short protein forms R127Q.
Identifiers: ClinVar variation 3026064 (VCV003026064.22), dbSNP rs777365561, ClinGen allele CA9488816.

ClinVar aggregate classification (germline): Uncertain significance (1 of 4 stars; one submission).

Allele frequency attached by ClinVar (database versions not stated): gnomAD exomes 0.00002; ExAC 0.00003; TOPMed 0.00005; gnomAD 0.00006.
gnomAD v4.1: 46 of 1,613,332 alleles (0.0029%); highest among the groups gnomAD compares: African/African-American, 0.004%; no homozygotes.

Submission:

CeGaT Center for Human Genetics Tuebingen
Classification: Uncertain significance. Last evaluated: 2024-02-01. Review status: criteria provided, single submitter. Criteria: CeGaT Center For Human Genetics Tuebingen Variant Classification Criteria Version 2. Collection method: clinical testing. Allele origin: germline. Affected: yes. Observed: 1 variant allele.
Comment: XRCC1: PM2